The following is an entry in ClinVar:

NM_001017979.3(RAB28):c.268C>T (p.Leu90Phe)

Gene: RAB28 (RAB28, member RAS oncogene family; minus strand). Cytogenetic location: 4p15.33.
Variant type: single nucleotide variant.
Coding change: c.268C>T on transcript NM_001017979.3 (MANE Select); coding-DNA position 268, C replaced by T.
Protein change: p.Leu90Phe; replaces leucine 90 with phenylalanine.
Molecular consequence: missense variant.
Genome position (GRCh38, 1-based): chr4:13,460,822, G>A on the plus strand (C>T on the coding strand, the complement: RAB28 is on the minus strand). VCF-style: chr4-13460822-G-A. GRCh37 (hg19) VCF-style: chr4-13462446-G-A.
Other names: c.268C>T, p.Leu90Phe (NM_001159601.2, NM_004249.4); short protein forms L90F.
Identifiers: ClinVar variation 1502114 (VCV001502114.6), dbSNP rs1560141468, ClinGen allele CA356373993.
Genomic context (GRCh38, chr4:13,460,822, plus strand): 5'-CAGTATACCAATCTTCTAAATTCTCAAAGCTTTGATAATTTGTAATATCATATACCAAGA[G>A]GACTCCCTGTCACAAAAGAGTTACAAAATATCTGTAATGTATTATTTGGTGAAAAAATCT-3'
Protein context (NP_001017979.1, residues 80-100): DKYIYGAQGV[Leu90Phe]LVYDITNYQS

ClinVar aggregate classification (germline): Uncertain significance (1 of 4 stars; one submission).

Allele frequency attached by ClinVar (database versions not stated): gnomAD exomes below 0.00001 and 0.00001; TOPMed below 0.00001.
gnomAD v4.1: 11 of 1,610,404 alleles (0.00068%); highest among the groups gnomAD compares: South Asian, 0.0066%; no homozygotes.

Submission:

Labcorp Genetics (formerly Invitae), Labcorp
Classification: Uncertain significance. Last evaluated: 2021-01-13. Review status: criteria provided, single submitter. Criteria: Invitae Variant Classification Sherloc (09022015). Collection method: clinical testing. Allele origin: germline.
Comment: In summary, the available evidence is currently insufficient to determine the role of this variant in disease. Therefore, it has been classified as a Variant of Uncertain Significance. Algorithms developed to predict the effect of missense changes on protein structure and function are either unavailable or do not agree on the potential impact of this missense change (SIFT: "Tolerated"; PolyPhen-2: "Possibly Damaging"; Align-GVGD: "Class C0"). This variant has not been reported in the literature in individuals with RAB28-related conditions. This variant is not present in population databases (ExAC no frequency). This sequence change replaces leucine with phenylalanine at codon 90 of the RAB28 protein (p.Leu90Phe). The leucine residue is highly conserved and there is a small physicochemical difference between leucine and phenylalanine.